The following is an entry in ClinVar:

ClinVar aggregate classification (germline): Uncertain significance. Review status: criteria provided, multiple submitters, no conflicts (2 of 4 stars). 9 submissions from 9 submitters: Uncertain significance (7). 2 of the submissions do not count toward it. Last evaluated 2026-08-26.

Conditions:
BRIP1-related disorder. Also called: BRIP1-related condition; BRIP1-related disorders. Identifiers: MedGen CN239206.
Ovarian cancer. Also called: OVARIAN CANCER, SOMATIC. Identifiers: Orphanet 213500, MedGen C1140680, MONDO:0008170, OMIM 167000.
Fanconi anemia complementation group J. Also called: BRIP1-Related Fanconi Anemia. Identifiers: Orphanet 84, MedGen C1836860, MONDO:0012187, OMIM 609054.
Familial cancer of breast. Also called: hereditary breast carcinoma; BREAST CANCER, FAMILIAL; Hereditary breast cancer. Identifiers: Orphanet 227535, MedGen C0346153, MONDO:0016419, OMIM 114480. Disease mechanism: loss of function.
Hereditary cancer-predisposing syndrome. Also called: Neoplastic Syndromes, Hereditary; Tumor predisposition; Hereditary Cancer Syndrome; Hereditary neoplastic syndrome. Identifiers: Orphanet 140162, MedGen C0027672, MeSH D009386, MONDO:0015356.

Allele frequency attached by ClinVar (database versions not stated): gnomAD exomes below 0.00001; gnomAD 0.00001.

Submissions (9):

PreventionGenetics, part of Exact Sciences
Classification: Uncertain significance for BRIP1-related condition. Last evaluated: 2026-08-26. Review status: criteria provided, single submitter. Criteria: ACMG Guidelines, 2015. Collection method: clinical testing. Allele origin: germline.
Comment: The BRIP1 c.787C>T variant is predicted to result in the amino acid substitution p.Leu263Phe. This variant was reported in individuals with breast or prostate cancer (Kim et al. 2016. PubMed ID: 26790966; Momozawa et al. 2020. PubMed ID: 31214711). This variant is reported in 0.064% of alleles in individuals of East Asian descent in gnomAD and is classified as uncertain in ClinVar (Variation ID: 407869). Although we suspect that this variant may be benign, at this time, the clinical significance of this variant is uncertain due to the absence of conclusive functional and genetic evidence.

Ambry Genetics
Classification: Uncertain significance for Hereditary cancer-predisposing syndrome. Last evaluated: 2025-08-23. Review status: criteria provided, single submitter. Criteria: Ambry Variant Classification Scheme 2023. Collection method: clinical testing. Allele origin: germline.
Comment: The p.L263F variant (also known as c.787C>T), located in coding exon 6 of the BRIP1 gene, results from a C to T substitution at nucleotide position 787. The leucine at codon 263 is replaced by phenylalanine, an amino acid with highly similar properties. In a study of Korean patients with breast cancer and previous negative genetic testing of BRCA1/2, this variant was reported in 2/235 patients and 0/50 controls (Kim H et al. Cancer Res Treat. 2016 Jul;48:955-61). This amino acid position is highly conserved in available vertebrate species. In addition, the in silico prediction for this alteration is inconclusive. Since supporting evidence is limited at this time, the clinical significance of this alteration remains unclear.

Labcorp Genetics (formerly Invitae), Labcorp
Classification: Uncertain significance for Familial cancer of breast; Fanconi anemia complementation group J. Last evaluated: 2024-06-23. Review status: criteria provided, single submitter. Criteria: Invitae Variant Classification Sherloc (09022015). Collection method: clinical testing. Allele origin: germline.
Comment: This sequence change replaces leucine, which is neutral and non-polar, with phenylalanine, which is neutral and non-polar, at codon 263 of the BRIP1 protein (p.Leu263Phe). This variant is present in population databases (no rsID available, gnomAD 0.06%). This missense change has been observed in individual(s) with biliary tract cancer, breast cancer, and/or prostate cancer (PMID: 26790966, 31214711, 36243179). ClinVar contains an entry for this variant (Variation ID: 407869). Advanced modeling of protein sequence and biophysical properties (such as structural, functional, and spatial information, amino acid conservation, physicochemical variation, residue mobility, and thermodynamic stability) performed at Invitae indicates that this missense variant is not expected to disrupt BRIP1 protein function with a negative predictive value of 80%. In summary, the available evidence is currently insufficient to determine the role of this variant in disease. Therefore, it has been classified as a Variant of Uncertain Significance.

Myriad Genetics, Inc.
Classification: Uncertain significance for Familial cancer of breast. Last evaluated: 2023-02-27. Review status: criteria provided, single submitter. Criteria: Myriad Autosomal Dominant, Autosomal Recessive and X-Linked Classification Criteria (2023). Collection method: clinical testing. Allele origin: unknown.
Comment: This variant is classified as a variant of uncertain significance as there is insufficient evidence to determine its impact on protein function and/or cancer risk.

GeneDx
Classification: Uncertain significance. Last evaluated: 2022-01-12. Review status: criteria provided, single submitter. Criteria: GeneDx Variant Classification Process June 2021. Collection method: clinical testing. Allele origin: germline. Affected: yes.
Comment: Not observed at significant frequency in large population cohorts (gnomAD); In silico analysis supports that this missense variant does not alter protein structure/function; Identified in individuals with breast cancer (Kim 2016); This variant is associated with the following publications: (PMID: 26709662, 31214711, 21279724, 34585473, 26790966)

Sema4
Classification: Uncertain significance for Hereditary cancer-predisposing syndrome. Last evaluated: 2021-12-09. Review status: criteria provided, single submitter. Criteria: Sema4 Curation Guidelines. Collection method: curation. Allele origin: germline.
Comment: The BRIP1 c.787C>T (p.Leu263Phe) variant has been reported in heterozygosity in at least 3 individuals with bilateral breast and prostate cancer (PMID: 26790966, 31214711). It has been reported in a large case-control study of breast cancer in 1/60466 cases and 0/53461 controls (PMID: 33471991) and in 9/12,366 controls in prostate cancer risk case-control study (PMID: 31214711). It was observed in 1/1560 chromosomes of the East Asian subpopulation in the large and broad cohorts of the Genome Aggregation Database (PMID: 32461654). This variant has been reported in ClinVar (Variation ID 407869). Functional studies have not been performed, and in silico predictions of the variant's effect on protein function are inconclusive. The evidence is insufficient to meet ACMG/AMP criteria for classifying the variant as benign or pathogenic. Thus, the clinical significance of this variant is currently uncertain.

Color Diagnostics, LLC DBA Color Health
Classification: Uncertain significance for Hereditary cancer-predisposing syndrome. Last evaluated: 2021-02-02. Review status: criteria provided, single submitter. Criteria: ACMG Guidelines, 2015. Collection method: clinical testing. Allele origin: germline.
Comment: This missense variant replaces leucine with phenylalanine at codon 263 of the BRIP1 protein. Computational prediction is inconclusive regarding the impact of this variant on protein structure and function (internally defined REVEL score threshold 0.5 < inconclusive < 0.7, PMID: 27666373). To our knowledge, functional studies have not been reported for this variant. This variant has been reported in individuals affected with breast cancer (PMID: 26790966) and both in affected and unaffected individuals in a prostate cancer risk case-control study (PMID: 31214711). This variant has been identified in 1/31392 chromosomes in the general population by the Genome Aggregation Database (gnomAD). The available evidence is insufficient to determine the role of this variant in disease conclusively. Therefore, this variant is classified as a Variant of Uncertain Significance.

Leiden Open Variation Database
Classification: Benign. Last evaluated: 2019-08-13. Review status: no assertion criteria provided. Collection method: curation. Allele origin: germline. Affected: yes. Not counted in ClinVar's aggregate classification.
Comment: Curator: Arleen D. Auerbach. Submitter to LOVD: Yukihide Momozawa.

Counsyl
Classification: Uncertain significance for Fanconi anemia complementation group J; Ovarian cancer. Last evaluated: 2018-04-19. Review status: no assertion criteria provided. Collection method: clinical testing. Allele origin: unknown. Not counted in ClinVar's aggregate classification.

Literature cited by the submitters: PubMed 26790966 (cited by 4 submitters); PubMed 31214711 (cited by 3 submitters); PubMed 36243179 (cited by Labcorp Genetics (formerly Invitae), Labcorp); PubMed 33471991 (cited by Sema4); PubMed 21279724 (cited by Counsyl).

NM_032043.3(BRIP1):c.787C>T (p.Leu263Phe)

Gene: BRIP1 (BRCA1 interacting DNA helicase 1; minus strand). Cytogenetic location: 17q23.2.
Variant type: single nucleotide variant.
Coding change: c.787C>T on transcript NM_032043.3 (MANE Select); coding-DNA position 787, C replaced by T.
Protein change: p.Leu263Phe; replaces leucine 263 with phenylalanine.
Molecular consequence: missense variant.
Genome position (GRCh38, 1-based): chr17:61,808,598, G>A on the plus strand (C>T on the coding strand, the complement: BRIP1 is on the minus strand). VCF-style: chr17-61808598-G-A. GRCh37 (hg19) VCF-style: chr17-59885959-G-A.
Other names: short protein forms L263F.
Identifiers: ClinVar variation 407869 (VCV000407869.30), dbSNP rs1060501776, ClinGen allele CA16615865.